The following is an entry in ClinVar:

NM_005751.5(AKAP9):c.1394C>T (p.Thr465Ile)

Gene: AKAP9 (A-kinase anchoring protein 9; plus strand). Cytogenetic location: 7q21.2.
Variant type: single nucleotide variant.
Coding change: c.1394C>T on transcript NM_005751.5 (MANE Select); coding-DNA position 1394, C replaced by T.
Protein change: p.Thr465Ile; replaces threonine 465 with isoleucine.
Molecular consequence: missense variant.
Genome position (GRCh38, 1-based): chr7:92,001,311, C>T. VCF-style: chr7-92001311-C-T. GRCh37 (hg19) VCF-style: chr7-91630625-C-T.
Other names: p.Thr465Ile; c.1394C>T, p.Thr465Ile (NM_147185.3); short protein forms T465I.
Identifiers: ClinVar variation 1771596 (VCV001771596.9), dbSNP rs1170309661, ClinGen allele CA368121694.

ClinVar aggregate classification (germline): Uncertain significance. Review status: criteria provided, multiple submitters, no conflicts (2 of 4 stars). 3 submissions from 3 submitters: Uncertain significance (3). Last evaluated 2024-08-19.

Conditions:
Cardiovascular phenotype. Identifiers: MedGen CN230736.
Long QT syndrome (LQTS). Identifiers: MedGen C0023976, MeSH D008133, MONDO:0002442. Disease mechanism: loss of function. Inheritance: Various modes of inheritance.

Allele frequency attached by ClinVar (database versions not stated): gnomAD exomes below 0.00001; TOPMed below 0.00001; gnomAD 0.00001.
gnomAD v4.1: 7 of 1,613,720 alleles (0.00043%); highest among the groups gnomAD compares: Non-Finnish European, 0.00059%; no homozygotes.

Submissions (3):

Ambry Genetics
Classification: Uncertain significance for Cardiovascular phenotype. Last evaluated: 2024-08-19. Review status: criteria provided, single submitter. Criteria: Ambry Variant Classification Scheme 2023. Collection method: clinical testing. Allele origin: germline.
Comment: The p.T465I variant (also known as c.1394C>T), located in coding exon 8 of the AKAP9 gene, results from a C to T substitution at nucleotide position 1394. The threonine at codon 465 is replaced by isoleucine, an amino acid with similar properties. This amino acid position is conserved. In addition, this alteration is predicted to be tolerated by in silico analysis. The evidence for this gene-disease relationship is limited; therefore, the clinical significance of this alteration is unclear.

Mayo Clinic Laboratories, Mayo Clinic
Classification: Uncertain significance. Last evaluated: 2022-11-22. Review status: criteria provided, single submitter. Criteria: ACMG Guidelines, 2015. Collection method: clinical testing. Allele origin: germline. Observed: 1 variant allele.
Comment: BP4, PM2_supporting

Labcorp Genetics (formerly Invitae), Labcorp
Classification: Uncertain significance for Long QT syndrome. Last evaluated: 2022-10-03. Review status: criteria provided, single submitter. Criteria: Invitae Variant Classification Sherloc (09022015). Collection method: clinical testing. Allele origin: germline.
Comment: This variant has not been reported in the literature in individuals affected with AKAP9-related conditions. This variant is not present in population databases (gnomAD no frequency). In summary, the available evidence is currently insufficient to determine the role of this variant in disease. Therefore, it has been classified as a Variant of Uncertain Significance. Algorithms developed to predict the effect of missense changes on protein structure and function output the following: SIFT: "Tolerated"; PolyPhen-2: "Benign"; Align-GVGD: "Class C0". The isoleucine amino acid residue is found in multiple mammalian species, which suggests that this missense change does not adversely affect protein function. This sequence change replaces threonine, which is neutral and polar, with isoleucine, which is neutral and non-polar, at codon 465 of the AKAP9 protein (p.Thr465Ile).